The following is an entry in ClinVar:

ClinVar aggregate classification (germline): Uncertain significance (1 of 4 stars; one submission).

Submission:

Laboratorio de Genetica e Diagnostico Molecular, Hospital Israelita Albert Einstein
Classification: Uncertain significance. Last evaluated: 2020-11-17. Review status: criteria provided, single submitter. Criteria: ACMG Guidelines, 2015. Collection method: clinical testing. Allele origin: germline. Affected: yes.
Comment: ACMG classification criteria: PM2

NM_004006.3(DMD):c.3804G>C (p.Trp1268Cys)

Gene: DMD (dystrophin; minus strand). Cytogenetic location: Xp21.1.
Variant type: single nucleotide variant.
Coding change: c.3804G>C on transcript NM_004006.3 (MANE Select); coding-DNA position 3804, G replaced by C.
Protein change: p.Trp1268Cys; replaces tryptophan 1268 with cysteine.
Molecular consequence: missense variant.
Genome position (GRCh38, 1-based): chrX:32,441,297, C>G on the plus strand (G>C on the coding strand, the complement: DMD is on the minus strand). VCF-style: chrX-32441297-C-G. GRCh37 (hg19) VCF-style: chrX-32459414-C-G.
Other names: c.3780G>C, p.Trp1260Cys (NM_000109.4); c.3792G>C, p.Trp1264Cys (NM_004009.3); c.3435G>C, p.Trp1145Cys (NM_004010.3); short protein forms W1145C, W1260C, W1264C, W1268C.
Identifiers: ClinVar variation 1690966 (VCV001690966.2), dbSNP rs1569562573, ClinGen allele CA412670580.